The following is an entry in ClinVar:

ClinVar aggregate classification (germline): Uncertain significance (1 of 4 stars; one submission).

gnomAD v4.1: 6 of 1,590,794 alleles (0.00038%); highest among the groups gnomAD compares: Non-Finnish European, 0.00051%; no homozygotes.

Submission:

Labcorp Genetics (formerly Invitae), Labcorp
Classification: Uncertain significance. Last evaluated: 2024-11-27. Review status: criteria provided, single submitter. Criteria: Invitae Variant Classification Sherloc (09022015). Collection method: clinical testing. Allele origin: germline.
Comment: This sequence change replaces aspartic acid, which is acidic and polar, with glycine, which is neutral and non-polar, at codon 103 of the FAR1 protein (p.Asp103Gly). The frequency data for this variant in the population databases is considered unreliable, as metrics indicate poor data quality at this position in the gnomAD database. This variant has not been reported in the literature in individuals affected with FAR1-related conditions. Invitae Evidence Modeling of protein sequence and biophysical properties (such as structural, functional, and spatial information, amino acid conservation, physicochemical variation, residue mobility, and thermodynamic stability) indicates that this missense variant is not expected to disrupt FAR1 protein function with a negative predictive value of 80%. In summary, the available evidence is currently insufficient to determine the role of this variant in disease. Therefore, it has been classified as a Variant of Uncertain Significance.

NM_032228.6(FAR1):c.308A>G (p.Asp103Gly)

Gene: FAR1 (fatty acyl-CoA reductase 1; plus strand). Cytogenetic location: 11p15.3.
Variant type: single nucleotide variant.
Coding change: c.308A>G on transcript NM_032228.6 (MANE Select); coding-DNA position 308, A replaced by G.
Protein change: p.Asp103Gly; replaces aspartic acid 103 with glycine.
Molecular consequence: missense variant.
Genome position (GRCh38, 1-based): chr11:13,700,435, A>G. VCF-style: chr11-13700435-A-G. GRCh37 (hg19) VCF-style: chr11-13721982-A-G.
Other names: short protein forms D103G.
Identifiers: ClinVar variation 3686583 (VCV003686583.2).